The following is an entry in ClinVar:

ClinVar aggregate classification (germline): Likely pathogenic. Review status: criteria provided, multiple submitters, no conflicts (2 of 4 stars). 2 submissions from 2 submitters: Likely pathogenic (2). Last evaluated 2026-05-04.

Conditions:
Autosomal recessive nonsyndromic hearing loss 8 (DFNB8). Also called: NEUROSENSORY NONSYNDROMIC RECESSIVE DEAFNESS 8; Deafness, autosomal recessive 10. Identifiers: Orphanet 90636, MedGen C1832827, MONDO:0010987, OMIM 601072.

gnomAD v4.1: 2 of 1,613,932 alleles (0.00012%); highest among the groups gnomAD compares: African/African-American, 0.0027%; no homozygotes.

Submissions (2):

Genesis Genoma Lab
Classification: Likely pathogenic for Autosomal recessive nonsyndromic hearing loss 8. Last evaluated: 2026-05-04. Review status: criteria provided, single submitter. Criteria: ACMG Guidelines, 2015. Collection method: clinical testing. Allele origin: germline. Inheritance: Autosomal recessive inheritance. Affected: yes.
Comment: It is located in the conserved 3' splice site and it is predicted to result in exon skipping. Loss of function is a known mechanism of disease for TMPRSS3 gene. It is classified as a likely pathogenic variant according to the ACMG criteria (PVS1, PM2).

Fulgent Genetics
Classification: Likely pathogenic for Autosomal recessive nonsyndromic hearing loss 8. Last evaluated: 2024-04-26. Review status: criteria provided, single submitter. Criteria: ACMG Guidelines, 2015. Collection method: clinical testing. Allele origin: germline.

NM_001256317.3(TMPRSS3):c.573-1G>A

Gene: TMPRSS3 (transmembrane serine protease 3; minus strand). Cytogenetic location: 21q22.3.
Variant type: single nucleotide variant.
Coding change: c.573-1G>A on transcript NM_001256317.3 (MANE Select); the canonical splice acceptor site of the intron before coding-DNA position 573, G replaced by A.
Molecular consequence: splice acceptor variant.
Genome position (GRCh38, 1-based): chr21:42,384,014, C>T on the plus strand (G>A on the coding strand, the complement: TMPRSS3 is on the minus strand). VCF-style: chr21-42384014-C-T. GRCh37 (hg19) VCF-style: chr21-43804123-C-T.
Other names: c.573-1G>A (NM_024022.4, NM_032405.2, NM_024022.3); c.192-1G>A (NM_032404.3).
Identifiers: ClinVar variation 3587682 (VCV003587682.1).